The following is an entry in ClinVar:

NM_003036.4(SKI):c.2142C>T (p.Arg714=)

Gene: SKI (SKI proto-oncogene; plus strand). Cytogenetic location: 1p36.32.
Variant type: single nucleotide variant.
Coding change: c.2142C>T on transcript NM_003036.4 (MANE Select); coding-DNA position 2142, C replaced by T.
Protein change: p.Arg714=; no amino-acid change (arginine 714 retained).
Molecular consequence: synonymous variant.
Genome position (GRCh38, 1-based): chr1:2,306,720, C>T. VCF-style: chr1-2306720-C-T. GRCh37 (hg19) VCF-style: chr1-2238159-C-T.
Identifiers: ClinVar variation 761161 (VCV000761161.11), dbSNP rs1569868248, ClinGen allele CA415459073.

ClinVar aggregate classification (germline): Likely benign. Review status: criteria provided, single submitter (1 of 4 stars). 2 submissions from 2 submitters: Likely benign (1). 1 of the submissions does not count toward it. Last evaluated 2024-07-04.

Conditions:
SKI-related disorder. Also called: SKI-related condition.
Shprintzen-Goldberg syndrome (SGS). Also called: Marfanoid disorder with craniosynostosis type 1; Marfanoid craniosynostosis syndrome; Shprintzen-Goldberg marfanoid syndrome; SHPRINTZEN-GOLDBERG CRANIOSYNOSTOSIS SYNDROME; CRANIOSYNOSTOSIS WITH ARACHNODACTYLY AND ABDOMINAL HERNIAS. Identifiers: Orphanet 2462, MedGen C1321551, MONDO:0008426, OMIM 182212.

Allele frequency attached by ClinVar (database versions not stated): gnomAD exomes below 0.00001.
gnomAD v4.1: 2 of 1,535,114 alleles (0.00013%); highest among the groups gnomAD compares: Non-Finnish European, 0.00018%; no homozygotes.

Submissions (2):

Labcorp Genetics (formerly Invitae), Labcorp
Classification: Likely benign for Shprintzen-Goldberg syndrome. Last evaluated: 2024-07-04. Review status: criteria provided, single submitter. Criteria: Invitae Variant Classification Sherloc (09022015). Collection method: clinical testing. Allele origin: germline.

PreventionGenetics, part of Exact Sciences
Classification: Likely benign for SKI-related condition. Last evaluated: 2021-03-23. Review status: no assertion criteria provided. Collection method: clinical testing. Allele origin: germline. Not counted in ClinVar's aggregate classification.
Comment: This variant is classified as likely benign based on ACMG/AMP sequence variant interpretation guidelines (Richards et al. 2015 PMID: 25741868, with internal and published modifications).